The following is an entry in ClinVar:

ClinVar aggregate classification (germline): Uncertain significance. Review status: criteria provided, multiple submitters, no conflicts (2 of 4 stars). 2 submissions from 2 submitters: Uncertain significance (2). Last evaluated 2024-12-20.

Conditions:
Inborn genetic diseases. Identifiers: MedGen C0950123, MeSH D030342.
Fanconi anemia (FA). Also called: Fanconi's anemia. Identifiers: Orphanet 84, MedGen C0015625, MeSH D005199, MONDO:0019391.

Allele frequency attached by ClinVar (database versions not stated): TOPMed below 0.00001; gnomAD 0.00001; ExAC 0.00002.
gnomAD v4.1: 4 of 1,614,072 alleles (0.00025%); highest among the groups gnomAD compares: East Asian, 0.0022%; no homozygotes.

Submissions (2):

Ambry Genetics
Classification: Uncertain significance for Inborn genetic diseases. Last evaluated: 2024-12-20. Review status: criteria provided, single submitter. Criteria: Ambry Variant Classification Scheme 2023. Collection method: clinical testing. Allele origin: germline.

Labcorp Genetics (formerly Invitae), Labcorp
Classification: Uncertain significance for Fanconi anemia. Last evaluated: 2022-03-25. Review status: criteria provided, single submitter. Criteria: Invitae Variant Classification Sherloc (09022015). Collection method: clinical testing. Allele origin: germline.
Comment: This sequence change replaces phenylalanine, which is neutral and non-polar, with leucine, which is neutral and non-polar, at codon 1342 of the FANCA protein (p.Phe1342Leu). This variant is present in population databases (rs775186188, gnomAD 0.006%). This variant has not been reported in the literature in individuals affected with FANCA-related conditions. Advanced modeling of protein sequence and biophysical properties (such as structural, functional, and spatial information, amino acid conservation, physicochemical variation, residue mobility, and thermodynamic stability) performed at Invitae indicates that this missense variant is not expected to disrupt FANCA protein function. In summary, the available evidence is currently insufficient to determine the role of this variant in disease. Therefore, it has been classified as a Variant of Uncertain Significance.

NM_000135.4(FANCA):c.4026C>A (p.Phe1342Leu)

Genes: FANCA (FA complementation group A; minus strand), ZNF276 (zinc finger protein 276; plus strand). Cytogenetic location: 16q24.3.
Variant type: single nucleotide variant.
Coding change: c.4026C>A on transcript NM_000135.4 (MANE Select); coding-DNA position 4026, C replaced by A.
Protein change: p.Phe1342Leu; replaces phenylalanine 1342 with leucine.
Molecular consequence: missense variant. On other transcripts: 3 prime UTR variant (2), non-coding transcript variant (4).
Genome position (GRCh38, 1-based): chr16:89,739,274, G>T on the plus strand (C>A on the coding strand, the complement: FANCA is on the minus strand). VCF-style: chr16-89739274-G-T. GRCh37 (hg19) VCF-style: chr16-89805682-G-T.
Other names: c.4026C>A, p.Phe1342Leu (NM_001286167.3); c.*1028G>T (NM_001113525.2, NM_152287.4); short protein forms F1342L.
Identifiers: ClinVar variation 2058187 (VCV002058187.3), dbSNP rs775186188, ClinGen allele CA8250810.